The following is an entry in ClinVar:

ClinVar aggregate classification (germline): Benign/Likely benign. Review status: criteria provided, multiple submitters, no conflicts (2 of 4 stars). 4 submissions from 4 submitters: Benign (1); Likely benign (3). Last evaluated 2025-07-18.

Conditions:
Hereditary cancer-predisposing syndrome. Also called: Tumor predisposition; Neoplastic Syndromes, Hereditary; Hereditary Cancer Syndrome; Hereditary neoplastic syndrome. Identifiers: Orphanet 140162, MedGen C0027672, MeSH D009386, MONDO:0015356.
Fanconi anemia complementation group J. Also called: BRIP1-Related Fanconi Anemia. Identifiers: Orphanet 84, MedGen C1836860, MONDO:0012187, OMIM 609054.
Familial cancer of breast. Also called: BREAST CANCER, FAMILIAL; Hereditary breast cancer; hereditary breast carcinoma. Identifiers: Orphanet 227535, MedGen C0346153, MONDO:0016419, OMIM 114480. Disease mechanism: loss of function.

Allele frequency attached by ClinVar (database versions not stated): gnomAD exomes below 0.00001 and 0.00001.
gnomAD v4.1: 4 of 1,614,104 alleles (0.00025%); highest among the groups gnomAD compares: Admixed American, 0.005%; no homozygotes.

Submissions (4):

Labcorp Genetics (formerly Invitae), Labcorp
Classification: Likely benign for Familial cancer of breast; Fanconi anemia complementation group J. Last evaluated: 2025-07-18. Review status: criteria provided, single submitter. Criteria: Invitae Variant Classification Sherloc (09022015). Collection method: clinical testing. Allele origin: germline.

Myriad Genetics, Inc.
Classification: Benign for Familial cancer of breast. Last evaluated: 2024-09-03. Review status: criteria provided, single submitter. Criteria: Myriad Autosomal Dominant, Autosomal Recessive and X-Linked Classification Criteria (2023). Collection method: clinical testing. Allele origin: unknown.
Comment: This variant is considered benign. This variant is a silent/synonymous amino acid change and it is not expected to impact splicing.

Quest Diagnostics Nichols Institute San Juan Capistrano
Classification: Likely benign. Last evaluated: 2022-09-03. Review status: criteria provided, single submitter. Criteria: Quest Diagnostics criteria. Collection method: clinical testing. Allele origin: unknown.

Ambry Genetics
Classification: Likely benign for Hereditary cancer-predisposing syndrome. Last evaluated: 2016-12-07. Review status: criteria provided, single submitter. Criteria: Ambry Variant Classification Scheme 2023. Collection method: clinical testing. Allele origin: germline.

NM_032043.3(BRIP1):c.2031A>T (p.Gly677=)

Gene: BRIP1 (BRCA1 interacting DNA helicase 1; minus strand). Cytogenetic location: 17q23.2.
Variant type: single nucleotide variant.
Coding change: c.2031A>T on transcript NM_032043.3 (MANE Select); coding-DNA position 2031, A replaced by T.
Protein change: p.Gly677=; no amino-acid change (glycine 677 retained).
Molecular consequence: synonymous variant.
Genome position (GRCh38, 1-based): chr17:61,776,467, T>A on the plus strand (A>T on the coding strand, the complement: BRIP1 is on the minus strand). VCF-style: chr17-61776467-T-A. GRCh37 (hg19) VCF-style: chr17-59853828-T-A.
Identifiers: ClinVar variation 479461 (VCV000479461.19), dbSNP rs1288620174, ClinGen allele CA501150162.